The following is an entry in ClinVar:

ClinVar aggregate classification (germline): Uncertain significance (1 of 4 stars; one submission).

Conditions:
EP300-related disorder. Also called: EP300-related condition; EP300-related disorders.

gnomAD v4.1: 2 of 1,614,178 alleles (0.00012%); highest among the groups gnomAD compares: Non-Finnish European, 0.00017%; no homozygotes.

Submission:

PreventionGenetics, part of Exact Sciences
Classification: Uncertain significance for EP300-related condition. Last evaluated: 2026-01-31. Review status: criteria provided, single submitter. Criteria: ACMG Guidelines, 2015. Collection method: clinical testing. Allele origin: germline.
Comment: The EP300 c.3061A>C variant is predicted to result in the amino acid substitution p.Thr1021Pro. To our knowledge, this variant has not been reported in the literature or in a large population database (gnomAD), indicating this variant is rare. At this time, the clinical significance of this variant is uncertain due to the absence of conclusive functional and genetic evidence.

NM_001429.4(EP300):c.3061A>C (p.Thr1021Pro)

Genes: EP300 (EP300 lysine acetyltransferase; plus strand), LOC126863158 (BRD4-independent group 4 enhancer GRCh37_chr22:41547383-41548582; plus strand). Cytogenetic location: 22q13.2.
Variant type: single nucleotide variant.
Coding change: c.3061A>C on transcript NM_001429.4 (MANE Select); coding-DNA position 3061, A replaced by C.
Protein change: p.Thr1021Pro; replaces threonine 1021 with proline.
Molecular consequence: missense variant.
Genome position (GRCh38, 1-based): chr22:41,152,269, A>C. VCF-style: chr22-41152269-A-C. GRCh37 (hg19) VCF-style: chr22-41548273-A-C.
Other names: c.2983A>C, p.Thr995Pro (NM_001362843.2); short protein forms T995P, T1021P.
Identifiers: ClinVar variation 4998558 (VCV004998558.1).